The following is an entry in ClinVar:

ClinVar aggregate classification (germline): Benign. Review status: reviewed by expert panel (3 of 4 stars). 11 submissions from 11 submitters: Benign (1). 10 of the submissions do not count toward it. Last evaluated 2019-06-18.

Conditions:
Inherited breast cancer and ovarian cancer.
BRCA1-related disorder. Also called: BRCA1-related condition.
Hereditary cancer-predisposing syndrome. Also called: Hereditary Cancer Syndrome; Neoplastic Syndromes, Hereditary; Hereditary neoplastic syndrome; Tumor predisposition. Identifiers: Orphanet 140162, MedGen C0027672, MeSH D009386, MONDO:0015356.
Hereditary breast ovarian cancer syndrome. Also called: Hereditary breast and ovarian cancer syndrome (HBOC); Breast and ovarian cancer; Hereditary breast and ovarian cancer syndrome; Hereditary breast and ovarian cancer; BRCA1- and BRCA2-Associated Hereditary Breast and Ovarian Cancer; Hereditary breast and/or ovarian cancer syndrome. Identifiers: Orphanet 145, MedGen C0677776, MeSH D061325, MONDO:0003582. Disease mechanism: loss of function.
Breast-ovarian cancer, familial, susceptibility to, 1 (BROVCA1). Also called: BRCA1 Hereditary Breast and Ovarian Cancer; OVARIAN CANCER, SUSCEPTIBILITY TO. Identifiers: Orphanet 145, MedGen C2676676, MONDO:0011450, OMIM 604370. Disease mechanism: loss of function.

Allele frequency attached by ClinVar (database versions not stated): gnomAD exomes below 0.00001 and 0.00001; gnomAD 0.00001; ExAC 0.00002; TOPMed 0.00003; ESP Exome Variant Server 0.00015.
gnomAD v4.1: 20 of 1,613,464 alleles (0.0012%); highest among the groups gnomAD compares: Non-Finnish European, 0.0017%; no homozygotes.

Submissions (12):

Evidence-based Network for the Interpretation of Germline Mutant Alleles (ENIGMA)
Classification: Benign for Breast-ovarian cancer, familial, susceptibility to, 1. Last evaluated: 2019-06-18. Review status: reviewed by expert panel. Criteria: ENIGMA BRCA1/2 Classification Criteria (2017-06-29). Collection method: curation. Allele origin: germline.
Comment: IARC class based on posterior probability from multifactorial likelihood analysis, thresholds for class as per Plon et al. 2008 (PMID: 18951446). Class 1 based on posterior probability = 0.000031

PreventionGenetics, part of Exact Sciences
Classification: Likely benign for BRCA1-related condition. Last evaluated: 2026-08-26. Review status: criteria provided, single submitter. Criteria: ACMG Guidelines, 2015. Collection method: clinical testing. Allele origin: germline. Not counted in ClinVar's aggregate classification.
Comment: This variant is classified as likely benign based on ACMG/AMP sequence variant interpretation guidelines (Richards et al. 2015 PMID: 25741868, with internal and published modifications).

Cambridge Genomics Laboratory, East Genomic Laboratory Hub, NHS Genomic Medicine Service
Classification: Benign for Inherited breast cancer and ovarian cancer. Last evaluated: 2026-07-23. Review status: criteria provided, single submitter. Criteria: ACGS Best Practice Guidelines for Variant Classification in Rare Disease 2020. Collection method: clinical testing. Allele origin: germline. Affected: yes. Not counted in ClinVar's aggregate classification.
Comment: PM2_Supporting,BS3_Strong,BP5_Very Strong

Women's Health and Genetics/Laboratory Corporation of America, LabCorp
Classification: Uncertain significance. Last evaluated: 2026-05-20. Review status: criteria provided, single submitter. Criteria: LabCorp Variant Classification Summary - May 2015. Collection method: clinical testing. Allele origin: germline. Not counted in ClinVar's aggregate classification.
Comment: Variant summary: BRCA1 c.5024C>T (p.Thr1675Ile) results in a non-conservative amino acid change in the encoded protein sequence. Algorithms developed to predict the effect of missense changes on protein structure and function are either unavailable or do not agree on the potential impact of this missense change. The variant allele was found at a frequency of 4e-06 in 251362 control chromosomes. The available data on variant occurrences in the general population are insufficient to allow any conclusion about variant significance. c.5024C>T has been observed in individual(s) affected with BRCA1-related conditions without strong evidence of causality (Caminsky_2016, Wai_2020, Bhar_2021). These report(s) do not provide unequivocal conclusions about association of the variant with disease. To our knowledge, no experimental evidence demonstrating an impact on protein function has been reported. The following publications have been ascertained in the context of this evaluation (PMID: 34326862, 26898890, 32123317). ClinVar contains an entry for this variant (Variation ID: 240811). Based on the evidence outlined above, the variant was classified as uncertain significance.

Quest Diagnostics Nichols Institute San Juan Capistrano
Classification: Likely benign. Last evaluated: 2025-09-10. Review status: criteria provided, single submitter. Criteria: Quest Diagnostics criteria. Collection method: clinical testing. Allele origin: unknown. Not counted in ClinVar's aggregate classification.

Labcorp Genetics (formerly Invitae), Labcorp
Classification: Likely benign for Hereditary breast ovarian cancer syndrome. Last evaluated: 2025-06-08. Review status: criteria provided, single submitter. Criteria: Invitae Variant Classification Sherloc (09022015). Collection method: clinical testing. Allele origin: germline. Not counted in ClinVar's aggregate classification.

Blueprint Genetics
Classification: Likely benign. Last evaluated: 2024-07-26. Review status: criteria provided, single submitter. Criteria: ACMG Guidelines, 2015. Collection method: clinical testing. Allele origin: germline. Not counted in ClinVar's aggregate classification.

Color Diagnostics, LLC DBA Color Health
Classification: Likely benign for Hereditary cancer-predisposing syndrome. Last evaluated: 2024-03-29. Review status: criteria provided, single submitter. Criteria: ACMG Guidelines, 2015. Collection method: clinical testing. Allele origin: germline. Not counted in ClinVar's aggregate classification.

All of Us Research Program, National Institutes of Health
Classification: Uncertain significance for Breast-ovarian cancer, familial, susceptibility to, 1. Last evaluated: 2023-10-30. Review status: criteria provided, single submitter. Criteria: ACMG Guidelines, 2015. Collection method: clinical testing. Allele origin: germline. Inheritance: Autosomal dominant inheritance. Observed: 2 variant alleles, 2 heterozygotes. Not counted in ClinVar's aggregate classification.
Comment: This missense variant replaces threonine with isoleucine at codon 1675 of the BRCA1 protein. Computational prediction suggests that this variant may not impact protein structure and function (internally defined REVEL score threshold <= 0.5, PMID: 27666373). A functional study has reported that this variant does not impact BRCA1 function in a haploid human cell proliferation assay (PMID: 30209399). This variant has been reported in a breast cancer case-control study in one case and one unaffected individual (PMID: 33471991; Leiden Open Variation Database DB-ID BRCA1_002857) and also in an individual affected with breast cancer and two suspected hereditary breast and ovarian cancer families (PMID: 15998910, 26898890, 26941049). This variant also has been reported with segregation and tumor pathology likelihood ratios for pathogenicity of 0.0025 and 0.4 respectively (PMID: 31131967). This variant has been identified in 1/251362 chromosomes in the general population by the Genome Aggregation Database (gnomAD). The available evidence is insufficient to determine the role of this variant in disease conclusively. Therefore, this variant is classified as a Variant of Uncertain Significance.

This study involves interpretation of variants in research participants for the purpose of population health screening. Participant phenotype was not available at the time of variant classification. Additional details can be found in publication PMID: 35346344, PMCID: PMC8962531

Ambry Genetics
Classification: Likely benign for Hereditary cancer-predisposing syndrome. Last evaluated: 2021-03-12. Review status: criteria provided, single submitter. Criteria: Ambry Variant Classification Scheme 2023. Collection method: clinical testing. Allele origin: germline. Not counted in ClinVar's aggregate classification.

GeneDx
Classification: Likely benign. Last evaluated: 2020-11-09. Review status: criteria provided, single submitter. Criteria: GeneDx Variant Classification Process June 2021. Collection method: clinical testing. Allele origin: germline. Affected: yes. Not counted in ClinVar's aggregate classification.
Comment: Not observed at a significant frequency in large population cohorts (Lek 2016); In silico analysis supports that this missense variant has a deleterious effect on protein structure/function; Published functional studies classified as functional in a saturation genome editing (SGE) assay for BRCA1 (Findlay 2018); Also known as 5143C>T; This variant is associated with the following publications: (PMID: 15998910, 26898890, 26941049, 30209399, 31131967, 32123317)

Brotman Baty Institute, University of Washington
No classification provided (evidence only). Condition: Breast-ovarian cancer, familial 1. Review status: no classification provided. Collection method: in vitro. Allele origin: not applicable. Functional consequence: functionally_normal. Not counted in ClinVar's aggregate classification.
ClinVar note: "not provided" was previously submitted as the classification for the variant. However, the classification appeared to be based only on an observation of functional data so it was converted to no classification on 2025-07-30.

Literature cited by the submitters: PubMed 31131967 (cited by 4 submitters); PubMed 26898890 (cited by 4 submitters); PubMed 32123317 (cited by 3 submitters); PubMed 34326862 (cited by Women's Health and Genetics/Laboratory Corporation of America, LabCorp); PubMed 15998910 (cited by 3 submitters); PubMed 30209399 (cited by 3 submitters); PubMed 33471991 (cited by 3 submitters); PubMed 33087888 (cited by Quest Diagnostics Nichols Institute San Juan Capistrano); PubMed 26941049 (cited by 3 submitters); PubMed 26295337 (cited by Quest Diagnostics Nichols Institute San Juan Capistrano).

NM_007294.4(BRCA1):c.5024C>T (p.Thr1675Ile)

Gene: BRCA1 (BRCA1 DNA repair associated; minus strand). Cytogenetic location: 17q21.31.
Variant type: single nucleotide variant.
Coding change: c.5024C>T on transcript NM_007294.4 (MANE Select); coding-DNA position 5024, C replaced by T.
Protein change: p.Thr1675Ile; replaces threonine 1675 with isoleucine.
Molecular consequence: missense variant. On other transcripts: non-coding transcript variant (1).
Genome position (GRCh38, 1-based): chr17:43,067,658, G>A on the plus strand (C>T on the coding strand, the complement: BRCA1 is on the minus strand). VCF-style: chr17-43067658-G-A. GRCh37 (hg19) VCF-style: chr17-41219675-G-A.
Other names: c.4940C>T, p.Thr1647Ile (NM_001407663.1, NM_001407659.1, NM_001407660.1 and 2 more transcripts); c.4901C>T, p.Thr1634Ile (NM_001407664.1, NM_001407665.1, NM_001407666.1 and 6 more transcripts); c.4898C>T, p.Thr1633Ile (NM_001407678.1, NM_001407679.1, NM_001407680.1 and 11 more transcripts); c.4895C>T, p.Thr1632Ile (NM_001407681.1, NM_001407682.1, NM_001407683.1 and 6 more transcripts); c.5024C>T, p.Thr1675Ile (NM_001407684.1, NM_001407854.1, NM_001407593.1 and 8 more transcripts); c.4883C>T, p.Thr1628Ile (NM_001407698.1, NM_001407724.1, NM_001407725.1 and 13 more transcripts); c.4880C>T, p.Thr1627Ile (NM_001407742.1, NM_001407743.1, NM_001407744.1 and 21 more transcripts); c.4877C>T, p.Thr1626Ile (NM_001407847.1, NM_001407848.1, NM_001407849.1 and 12 more transcripts); and 70 more; short protein forms T1675I, T1696I, T1628I, T571I, T1506I, T1521I, T1562I, T1586I.
Identifiers: ClinVar variation 240811 (VCV000240811.39), dbSNP rs150729791, ClinGen allele CA053709.